The following is an entry in ClinVar:

NM_004360.5(CDH1):c.1634G>T (p.Arg545Leu)

Gene: CDH1 (cadherin 1; plus strand). Cytogenetic location: 16q22.1.
Variant type: single nucleotide variant.
Coding change: c.1634G>T on transcript NM_004360.5 (MANE Select); coding-DNA position 1634, G replaced by T.
Protein change: p.Arg545Leu; replaces arginine 545 with leucine.
Molecular consequence: missense variant. On other transcripts: intron variant (1).
Genome position (GRCh38, 1-based): chr16:68,819,348, G>T. VCF-style: chr16-68819348-G-T. GRCh37 (hg19) VCF-style: chr16-68853251-G-T.
Other names: c.1634G>T (LRG_301t1); c.1451G>T, p.Arg484Leu (NM_001317184.2); c.86G>T, p.Arg29Leu (NM_001317185.2); c.-254-2653G>T (NM_001317186.2); short protein forms R545L, R29L, R484L.
Identifiers: ClinVar variation 481678 (VCV000481678.21), dbSNP rs587780115, ClinGen allele CA8130116.

ClinVar aggregate classification (germline): Conflicting classifications of pathogenicity. Review status: criteria provided, conflicting classifications (1 of 4 stars). 3 submissions from 3 submitters: Uncertain significance (2); Likely benign (1). Last evaluated 2025-07-15.

Conditions:
Hereditary cancer-predisposing syndrome. Also called: Hereditary neoplastic syndrome; Neoplastic Syndromes, Hereditary; Tumor predisposition; Hereditary Cancer Syndrome. Identifiers: Orphanet 140162, MedGen C0027672, MeSH D009386, MONDO:0015356.
Hereditary diffuse gastric adenocarcinoma (HDGC). Also called: DIFFUSE GASTRIC AND LOBULAR BREAST CANCER SYNDROME. Identifiers: Orphanet 26106, MedGen C1708349, MONDO:0007648, OMIM 137215.

Allele frequency attached by ClinVar (database versions not stated): gnomAD exomes below 0.00001; ExAC 0.00001; gnomAD 0.00001; TOPMed 0.00001.
gnomAD v4.1: 3 of 1,613,920 alleles (0.00019%); highest among the groups gnomAD compares: East Asian, 0.0022%; no homozygotes.

Submissions (3):

Labcorp Genetics (formerly Invitae), Labcorp
Classification: Uncertain significance for Hereditary diffuse gastric adenocarcinoma. Last evaluated: 2025-07-15. Review status: criteria provided, single submitter. Criteria: Invitae Variant Classification Sherloc (09022015). Collection method: clinical testing. Allele origin: germline.
Comment: This sequence change replaces arginine, which is basic and polar, with leucine, which is neutral and non-polar, at codon 545 of the CDH1 protein (p.Arg545Leu). This variant is present in population databases (rs587780115, gnomAD 0.006%). This variant has not been reported in the literature in individuals affected with CDH1-related conditions. ClinVar contains an entry for this variant (Variation ID: 481678). An algorithm developed to predict the effect of missense changes on protein structure and function (PolyPhen-2) suggests that this variant is likely to be tolerated. In summary, the available evidence is currently insufficient to determine the role of this variant in disease. Therefore, it has been classified as a Variant of Uncertain Significance.

Color Diagnostics, LLC DBA Color Health
Classification: Uncertain significance for Hereditary cancer-predisposing syndrome. Last evaluated: 2023-05-08. Review status: criteria provided, single submitter. Criteria: ACMG Guidelines, 2015. Collection method: clinical testing. Allele origin: germline.
Comment: This missense variant replaces arginine with leucine at codon 545 of the CDH1 protein. To our knowledge, functional studies have not been reported for this variant. This variant has not been reported in individuals affected with CDH1-related disorders in the literature. This variant has been identified in 1/251484 chromosomes in the general population by the Genome Aggregation Database (gnomAD). The available evidence is insufficient to determine the role of this variant in disease conclusively. Therefore, this variant is classified as a Variant of Uncertain Significance.

Ambry Genetics
Classification: Likely benign for Hereditary cancer-predisposing syndrome. Last evaluated: 2022-08-10. Review status: criteria provided, single submitter. Criteria: Ambry Variant Classification Scheme 2023. Collection method: clinical testing. Allele origin: germline.